The following is an entry in ClinVar:

NM_003159.3(CDKL5):c.2981G>C (p.Gly994Ala)

Genes: CDKL5 (cyclin dependent kinase like 5; plus strand), RS1 (retinoschisin 1; minus strand). Cytogenetic location: Xp22.13.
Variant type: single nucleotide variant.
Coding change: c.2981G>C on transcript NM_003159.3; coding-DNA position 2981, G replaced by C.
Protein change: p.Gly994Ala; replaces glycine 994 with alanine.
Molecular consequence: missense variant. On other transcripts: intron variant (1).
Genome position (GRCh38, 1-based): chrX:18,653,432, G>C. VCF-style: chrX-18653432-G-C. GRCh37 (hg19) VCF-style: chrX-18671552-G-C.
Other names: c.2981G>C, p.Gly994Ala (NM_001037343.2); c.184+3221C>G (NM_000330.4); short protein forms G994A.
Identifiers: ClinVar variation 1379967 (VCV001379967.11), dbSNP rs2147201137, ClinGen allele CA412374315.

ClinVar aggregate classification (germline): Uncertain significance. Review status: criteria provided, multiple submitters, no conflicts (2 of 4 stars). 2 submissions from 2 submitters: Uncertain significance (2). Last evaluated 2021-02-12.

Conditions:
Angelman syndrome-like. Identifiers: MedGen CN128785.
Developmental and epileptic encephalopathy, 2 (DEE2). Also called: INFANTILE SPASM SYNDROME, X-LINKED 2; CDKL5 deficiency disorder. Identifiers: Orphanet 1934, Orphanet 3451, Orphanet 505652, MedGen C4750718, MONDO:0010396, OMIM 300672.
Inborn genetic diseases. Identifiers: MedGen C0950123, MeSH D030342.

Submissions (2):

Labcorp Genetics (formerly Invitae), Labcorp
Classification: Uncertain significance for Developmental and epileptic encephalopathy, 2; Angelman syndrome-like. Last evaluated: 2021-02-12. Review status: criteria provided, single submitter. Criteria: Invitae Variant Classification Sherloc (09022015). Collection method: clinical testing. Allele origin: germline.
Comment: Algorithms developed to predict the effect of missense changes on protein structure and function are either unavailable or do not agree on the potential impact of this missense change (SIFT: "Deleterious"; PolyPhen-2: "Possibly Damaging"; Align-GVGD: "Class C0"). In summary, the available evidence is currently insufficient to determine the role of this variant in disease. Therefore, it has been classified as a Variant of Uncertain Significance. This variant has not been reported in the literature in individuals with CDKL5-related conditions. This variant is not present in population databases (ExAC no frequency). This sequence change replaces glycine with alanine at codon 994 of the CDKL5 protein (p.Gly994Ala). The glycine residue is weakly conserved and there is a small physicochemical difference between glycine and alanine.

Ambry Genetics
Classification: Uncertain significance for Inborn genetic diseases. Last evaluated: 2017-05-31. Review status: criteria provided, single submitter. Criteria: Ambry Variant Classification Scheme 2023. Collection method: clinical testing. Allele origin: germline.
Comment: The p.G994A variant (also known as c.2981G>C) is located in coding exon 20 of the CDKL5 gene. The glycine at codon 994 is replaced by alanine, an amino acid with similar properties. This change occurs in the first base pair of coding exon 20. This amino acid position is not well conserved on limited sequence alignment. In addition, this alteration is predicted to be tolerated by in silico analysis. Since supporting evidence is limited at this time, the clinical significance of this alteration remains unclear.